The following is an entry in ClinVar:

ClinVar aggregate classification (germline): Conflicting classifications of pathogenicity. Review status: criteria provided, conflicting classifications (1 of 4 stars). 5 submissions from 5 submitters: Uncertain significance (3); Likely benign (2). Last evaluated 2026-04-27.

Conditions:
Combined oxidative phosphorylation defect type 27. Also called: Combined oxidative phosphorylation deficiency 27. Identifiers: Orphanet 477774, MedGen C5567608, MONDO:0014728, OMIM 616672.
Inborn genetic diseases. Identifiers: MedGen C0950123, MeSH D030342.

Allele frequency attached by ClinVar (database versions not stated): ExAC 0.00005; gnomAD exomes 0.00006; TOPMed 0.00009; gnomAD 0.00009; ESP Exome Variant Server 0.00016.
gnomAD v4.1: 151 of 1,551,380 alleles (0.0097%); highest among the groups gnomAD compares: South Asian, 0.015%; no homozygotes.

Submissions (5):

Ambry Genetics
Classification: Likely benign for Inborn genetic diseases. Last evaluated: 2026-04-27. Review status: criteria provided, single submitter. Criteria: Ambry Variant Classification Scheme 2023. Collection method: clinical testing. Allele origin: germline.

GeneDx
Classification: Uncertain significance. Last evaluated: 2026-04-02. Review status: criteria provided, single submitter. Criteria: GeneDx Variant Classification Process June 2021. Collection method: clinical testing. Allele origin: germline.
Comment: In silico analysis suggests that this missense variant does not alter protein structure/function; Has not been previously published as pathogenic or benign to our knowledge

Mayo Clinic Laboratories, Mayo Clinic
Classification: Uncertain significance. Last evaluated: 2025-08-15. Review status: criteria provided, single submitter. Criteria: ACMG Guidelines, 2015. Collection method: clinical testing. Allele origin: germline. Observed: 1 variant allele.
Comment: BP4_moderate

Blueprint Genetics
Classification: Likely benign. Last evaluated: 2024-11-18. Review status: criteria provided, single submitter. Criteria: ACMG Guidelines, 2015. Collection method: clinical testing. Allele origin: germline.

Labcorp Genetics (formerly Invitae), Labcorp
Classification: Uncertain significance for Combined oxidative phosphorylation defect type 27. Last evaluated: 2022-09-01. Review status: criteria provided, single submitter. Criteria: Invitae Variant Classification Sherloc (09022015). Collection method: clinical testing. Allele origin: germline.
Comment: This sequence change replaces arginine, which is basic and polar, with glutamine, which is neutral and polar, at codon 531 of the CARS2 protein (p.Arg531Gln). This variant is present in population databases (rs371876889, gnomAD 0.02%). This variant has not been reported in the literature in individuals affected with CARS2-related conditions. ClinVar contains an entry for this variant (Variation ID: 933621). Algorithms developed to predict the effect of missense changes on protein structure and function output the following: SIFT: "Tolerated"; PolyPhen-2: "Benign"; Align-GVGD: "Class C0". The glutamine amino acid residue is found in multiple mammalian species, which suggests that this missense change does not adversely affect protein function. Algorithms developed to predict the effect of sequence changes on RNA splicing suggest that this variant may create or strengthen a splice site. In summary, the available evidence is currently insufficient to determine the role of this variant in disease. Therefore, it has been classified as a Variant of Uncertain Significance.

Literature cited by the submitters: PubMed 36413997 (cited by Ambry Genetics).

NM_024537.4(CARS2):c.1592G>A (p.Arg531Gln)

Gene: CARS2 (cysteinyl-tRNA synthetase 2, mitochondrial; minus strand). Cytogenetic location: 13q34.
Variant type: single nucleotide variant.
Coding change: c.1592G>A on transcript NM_024537.4 (MANE Select); coding-DNA position 1592, G replaced by A.
Protein change: p.Arg531Gln; replaces arginine 531 with glutamine.
Molecular consequence: missense variant. On other transcripts: non-coding transcript variant (2).
Genome position (GRCh38, 1-based): chr13:110,642,346, C>T on the plus strand (G>A on the coding strand, the complement: CARS2 is on the minus strand). VCF-style: chr13-110642346-C-T. GRCh37 (hg19) VCF-style: chr13-111294693-C-T.
Other names: p.Arg531Gln; c.1592G>A (NM_024537.2); c.806G>A, p.Arg269Gln (NM_001352252.2); short protein forms R269Q, R531Q.
Identifiers: ClinVar variation 933621 (VCV000933621.9), dbSNP rs371876889, ClinGen allele CA7051597.
Genomic context (GRCh38, chr13:110,642,346, plus strand): 5'-GATGTCCCTGACCTTGGTGCGGCACTCACCTTGATGTTGATGCCGTGGGCAGTCAGGCCC[C>T]GGCGCAGGGTGTCGCATGCTTCCAGCAGGGGCTGCCTTTCTAGGAGCTGCTGCCGCCGGG-3'
Protein context (NP_078813.1, residues 521-541): PLLEACDTLR[Arg531Gln]GLTAHGINIK